The following is an entry in ClinVar:

NM_020461.4(TUBGCP6):c.31C>G (p.Leu11Val)

Gene: TUBGCP6 (tubulin gamma complex component 6; minus strand). Cytogenetic location: 22q13.33.
Variant type: single nucleotide variant.
Coding change: c.31C>G on transcript NM_020461.4 (MANE Select); coding-DNA position 31, C replaced by G.
Protein change: p.Leu11Val; replaces leucine 11 with valine.
Molecular consequence: missense variant.
Genome position (GRCh38, 1-based): chr22:50,244,429, G>C on the plus strand (C>G on the coding strand, the complement: TUBGCP6 is on the minus strand). VCF-style: chr22-50244429-G-C. GRCh37 (hg19) VCF-style: chr22-50682858-G-C.
Other names: short protein forms L11V.
Identifiers: ClinVar variation 2095398 (VCV002095398.4), dbSNP rs757134601, ClinGen allele CA10309141.

ClinVar aggregate classification (germline): Uncertain significance (1 of 4 stars; one submission).

gnomAD v4.1: 1 of 1,612,680 alleles (0.000062%); highest among the groups gnomAD compares: South Asian, 0.0011%; no homozygotes.

Submission:

Labcorp Genetics (formerly Invitae), Labcorp
Classification: Uncertain significance. Last evaluated: 2022-02-09. Review status: criteria provided, single submitter. Criteria: Invitae Variant Classification Sherloc (09022015). Collection method: clinical testing. Allele origin: germline.
Comment: In summary, the available evidence is currently insufficient to determine the role of this variant in disease. Therefore, it has been classified as a Variant of Uncertain Significance. Algorithms developed to predict the effect of sequence changes on RNA splicing suggest that this variant may create or strengthen a splice site. Algorithms developed to predict the effect of missense changes on protein structure and function are either unavailable or do not agree on the potential impact of this missense change (SIFT: "Tolerated"; PolyPhen-2: "Possibly Damaging"; Align-GVGD: "Class C0"). This variant has not been reported in the literature in individuals affected with TUBGCP6-related conditions. This variant is not present in population databases (gnomAD no frequency). This sequence change replaces leucine, which is neutral and non-polar, with valine, which is neutral and non-polar, at codon 11 of the TUBGCP6 protein (p.Leu11Val).